The following is an entry in ClinVar:

NM_172240.3(POC1B):c.103A>G (p.Thr35Ala)

Genes: POC1B (POC1 centriolar protein B; minus strand), POC1B-DUSP6 (POC1B-DUSP6 readthrough; minus strand). Cytogenetic location: 12q21.33.
Variant type: single nucleotide variant.
Coding change: c.103A>G on transcript NM_172240.3 (MANE Select); coding-DNA position 103, A replaced by G.
Protein change: p.Thr35Ala; replaces threonine 35 with alanine.
Molecular consequence: missense variant. On other transcripts: 5 prime UTR variant (1).
Genome position (GRCh38, 1-based): chr12:89,497,340, T>C on the plus strand (A>G on the coding strand, the complement: POC1B is on the minus strand). VCF-style: chr12-89497340-T-C. GRCh37 (hg19) VCF-style: chr12-89891117-T-C.
Other names: c.-24A>G (NM_001199777.2); short protein forms T35A.
Identifiers: ClinVar variation 1699082 (VCV001699082.3), dbSNP rs1457032726, ClinGen allele CA385994792.

ClinVar aggregate classification (germline): Uncertain significance (1 of 4 stars; one submission).

Conditions:
Cone-rod dystrophy 20 (CORD20). Identifiers: Orphanet 1872, MedGen C4014856, MONDO:0014427, OMIM 615973.

Allele frequency attached by ClinVar (database versions not stated): gnomAD exomes below 0.00001; TOPMed below 0.00001; gnomAD 0.00001.
gnomAD v4.1: 2 of 1,610,432 alleles (0.00012%); highest among the groups gnomAD compares: Non-Finnish European, 0.00017%; no homozygotes.

Submission:

Victorian Clinical Genetics Services, Murdoch Childrens Research Institute
Classification: Uncertain significance for Cone-rod dystrophy 20. Last evaluated: 2022-09-02. Review status: criteria provided, single submitter. Criteria: ACMG Guidelines, 2015. Collection method: clinical testing. Allele origin: germline. Inheritance: Autosomal recessive inheritance.
Comment: A heterozygous missense variant was identified, NM_172240.2(POC1B):c.103A>G in exon 3 of 12 of the POC1B gene (NB: this variant is non-coding in an alternative transcript). This substitution is predicted to create a minor amino acid change from a threonine to an alanine at position 35 of the protein; NP_758440.1(POC1B):p.(Thr35Ala) or a splice site change leading to aberrant splicing. Further testing via RNA studies are required to confirm if splicing is altered. The threonine at this position has low conservation (100 vertebrates, UCSC), and is located within the WD40 domain (PDB). In silico software predicts this variant to be damaging (Polyphen, SIFT, CADD, Mutation Taster). In silico splicing software does not predict an effect on splicing (NetGene2, Fruit fly). The variant is not present in the gnomAD population database, and has not been previously observed in clinical cases. Based on information available at the time of curation, this variant has been classified as a VUS.